The following is an entry in ClinVar:

ClinVar aggregate classification (germline): Benign. Review status: criteria provided, multiple submitters, no conflicts (2 of 4 stars). 2 submissions from 2 submitters: Benign (2). Last evaluated 2018-01-13.

Conditions:
Neurofibromatosis, type 2 (SWNV). Also called: SCHWANNOMATOSIS, VESTIBULAR; BILATERAL ACOUSTIC NEUROFIBROMATOSIS; NF2-Related Schwannomatosis. Identifiers: Orphanet 637, MedGen C0027832, MONDO:0007039, OMIM 101000. Disease mechanism: loss of function.

Allele frequency attached by ClinVar (database versions not stated): gnomAD 0.00821 and 0.01086; gnomAD exomes 0.01471; TOPMed 0.01518; 1000 Genomes Project 30x 0.04560; 1000 Genomes Project 0.05132.
gnomAD v4.1: 7,001 of 517,514 alleles (1.4%); highest among the groups gnomAD compares: East Asian, 12%; 271 homozygotes.

Submissions (2):

Illumina Laboratory Services, Illumina
Classification: Benign for Neurofibromatosis, type 2. Last evaluated: 2018-01-13. Review status: criteria provided, single submitter. Criteria: ICSL Variant Classification Criteria 13 December 2019. Collection method: clinical testing. Allele origin: germline.
Comment: This variant was observed in the ICSL laboratory as part of a predisposition screen in an ostensibly healthy population. It had not been previously curated by ICSL or reported in the Human Gene Mutation Database (HGMD: prior to June 1st, 2018), and was therefore a candidate for classification through an automated scoring system. Utilizing variant allele frequency, disease prevalence and penetrance estimates, and inheritance mode, an automated score was calculated to assess if this variant is too frequent to cause the disease. Based on the score and internal cut-off values, a variant classified as benign is not then subjected to further curation. The score for this variant resulted in a classification of benign for this disease.

Breakthrough Genomics
Classification: Benign. Review status: criteria provided, single submitter. Criteria: ACMG Guidelines, 2015. Collection method: not provided. Allele origin: germline. Inheritance: Autosomal dominant inheritance. Affected: yes.

NM_000268.4(NF2):c.-246C>G

Genes: NF2 (NF2, moesin-ezrin-radixin like (MERLIN) tumor suppressor; plus strand), LOC130067184 (ATAC-STARR-seq lymphoblastoid silent region 13595; plus strand). Cytogenetic location: 22q12.2.
Variant type: single nucleotide variant.
Coding change: c.-246C>G on transcript NM_000268.4 (MANE Select); 246 bases upstream of the start codon, C replaced by G.
Molecular consequence: 5 prime UTR variant. On other transcripts: non-coding transcript variant (1).
Genome position (GRCh38, 1-based): chr22:29,603,753, C>G. VCF-style: chr22-29603753-C-G. GRCh37 (hg19) VCF-style: chr22-29999742-C-G.
Other names: c.-246C>G (NM_016418.5, NM_181825.3, NM_181828.3 and 5 more transcripts).
Identifiers: ClinVar variation 341063 (VCV000341063.6), dbSNP rs56733822, ClinGen allele CA10645234.